The following is an entry in ClinVar:

ClinVar aggregate classification (germline): Pathogenic. Review status: criteria provided, single submitter (1 of 4 stars). 2 submissions from 2 submitters: Pathogenic (1). 1 of the submissions does not count toward it. Last evaluated 2024-12-05.

Conditions:
Glycogen storage disease type III (GSD3). Also called: FORBES DISEASE; Cori disease. Identifiers: Orphanet 366, MedGen C0017922, MONDO:0009291, OMIM 232400.

Submissions (2):

GeneDx
Classification: Pathogenic. Last evaluated: 2024-12-05. Review status: criteria provided, single submitter. Criteria: GeneDx Variant Classification Process June 2021. Collection method: clinical testing. Allele origin: germline. Affected: yes.
Comment: Frameshift variant predicted to result in protein truncation or nonsense mediated decay in a gene for which loss of function is a known mechanism of disease; Not observed at significant frequency in large population cohorts (gnomAD); Has not been previously published in an available peer reviewed journal as pathogenic or benign to our knowledge; This variant is associated with the following publications: (PMID: 19951495)

Counsyl
Classification: Likely pathogenic for Glycogen storage disease type III. Last evaluated: 2017-06-22. Review status: no assertion criteria provided. Collection method: clinical testing. Allele origin: unknown. Not counted in ClinVar's aggregate classification.

Literature cited by the submitters: PubMed 19951495 (cited by Counsyl).

NM_000642.3(AGL):c.2906_2907del (p.Tyr969fs)

Gene: AGL (amylo-alpha-1,6-glucosidase and 4-alpha-glucanotransferase; plus strand). Cytogenetic location: 1p21.2.
Variant type: Deletion.
Coding change: c.2906_2907del on transcript NM_000642.3 (MANE Select); coding-DNA positions 2906 to 2907, 2 bases deleted (AT; older notation c.2906_2907delAT).
Protein change: p.Tyr969fs; shifts the reading frame from tyrosine 969.
Molecular consequence: frameshift variant.
Genome position (GRCh38, 1-based): chr1:99,891,313-99,891,314, AT deleted; deleting any 2 consecutive bases within chr1:99,891,312-99,891,314 gives the same sequence; the c. name uses the placement nearest the transcript's 3' end. VCF-style (leftmost placement, unchanged base first): chr1-99891311-CTA-C. GRCh37 (hg19) VCF-style: chr1-100356867-CTA-C.
Other names: c.2906_2907del (NM_000642.2); c.2906_2907delAT (NM_000642.2); c.2906_2907delAT, p.Tyr969Cysfs (NM_000028.3, NM_000643.3, NM_000644.3 and 1 more transcripts); c.2858_2859delAT, p.Tyr953Cysfs (NM_000646.3); c.2885_2886delAT, p.Tyr962Cysfs (NM_001425326.1); c.2705_2706delAT, p.Tyr902Cysfs (NM_001425327.1); c.2702_2703delAT, p.Tyr901Cysfs (NM_001425328.1); c.2567_2568delAT, p.Tyr856Cysfs (NM_001425329.1); and 1 more; short protein forms Y953fs, Y969fs.
Identifiers: ClinVar variation 552586 (VCV000552586.3), dbSNP rs1553188559, ClinGen allele CA658821114.